The following is an entry in ClinVar:

NM_000038.6(APC):c.524C>G (p.Thr175Ser)

Gene: APC (APC regulator of Wnt signaling pathway; plus strand). Cytogenetic location: 5q22.2.
Variant type: single nucleotide variant.
Coding change: c.524C>G on transcript NM_000038.6 (MANE Select); coding-DNA position 524, C replaced by G.
Protein change: p.Thr175Ser; replaces threonine 175 with serine.
Molecular consequence: missense variant. On other transcripts: 5 prime UTR variant (1).
Genome position (GRCh38, 1-based): chr5:112,775,730, C>G. VCF-style: chr5-112775730-C-G. GRCh37 (hg19) VCF-style: chr5-112111427-C-G.
Other names: c.524C>G, p.Thr175Ser (NM_001127510.3, NM_001354895.2, NM_001354896.2 and 2 more transcripts); c.554C>G, p.Thr185Ser (NM_001127511.3, NM_001354897.2, NM_001354902.2); c.449C>G, p.Thr150Ser (NM_001354898.2, NM_001354904.2); c.347C>G, p.Thr116Ser (NM_001354900.2, NM_001354901.2, NM_001354905.2); c.-512C>G (NM_001354906.2); short protein forms T175S, T185S, T150S, T116S.
Identifiers: ClinVar variation 537544 (VCV000537544.10), dbSNP rs1554071616, ClinGen allele CA16022473.
Genomic context (GRCh38, chr5:112,775,730, plus strand): 5'-AAGACTGGTATTACGCTCAACTTCAGAATCTCACTAAAAGAATAGATAGTCTTCCTTTAA[C>G]TGAAAATGTAAGTAACTTGGCAGTACAACTTATTTGAAACTTTAATAACTTGATATTTTA-3'
Protein context (NP_000029.2, residues 165-185): LTKRIDSLPL[Thr175Ser]ENFSLQTDMT

ClinVar aggregate classification (germline): Uncertain significance (1 of 4 stars; one submission).

Conditions:
Familial adenomatous polyposis 1 (FAP1). Also called: FAMILIAL ADENOMATOUS POLYPOSIS 1, ATTENUATED; POLYPOSIS, ADENOMATOUS INTESTINAL. Identifiers: MedGen C2713442, MONDO:0021056, OMIM 175100. Disease mechanism: loss of function.

Submission:

Labcorp Genetics (formerly Invitae), Labcorp
Classification: Uncertain significance for Familial adenomatous polyposis 1. Last evaluated: 2025-07-24. Review status: criteria provided, single submitter. Criteria: Invitae Variant Classification Sherloc (09022015). Collection method: clinical testing. Allele origin: germline.
Comment: This sequence change replaces threonine, which is neutral and polar, with serine, which is neutral and polar, at codon 175 of the APC protein (p.Thr175Ser). This variant is not present in population databases (gnomAD no frequency). This variant has not been reported in the literature in individuals affected with APC-related conditions. ClinVar contains an entry for this variant (Variation ID: 537544). Invitae Evidence Modeling of protein sequence and biophysical properties (such as structural, functional, and spatial information, amino acid conservation, physicochemical variation, residue mobility, and thermodynamic stability) indicates that this missense variant is not expected to disrupt APC protein function with a negative predictive value of 95%. In summary, the available evidence is currently insufficient to determine the role of this variant in disease. Therefore, it has been classified as a Variant of Uncertain Significance.